The following is an entry in ClinVar:

ClinVar aggregate classification (germline): Likely benign. Review status: criteria provided, multiple submitters, no conflicts (2 of 4 stars). 5 submissions from 5 submitters: Likely benign (5). Last evaluated 2026-01-20.

Conditions:
Hereditary cancer-predisposing syndrome. Also called: Neoplastic Syndromes, Hereditary; Tumor predisposition; Hereditary Cancer Syndrome; Hereditary neoplastic syndrome. Identifiers: Orphanet 140162, MedGen C0027672, MeSH D009386, MONDO:0015356.
Ataxia-telangiectasia syndrome (AT). Also called: LOUIS-BAR SYNDROME; Ataxia telangiectasia (A-T); Ataxia-telangiectasia; Ataxia-telangiectasia, complementation group D; AT, COMPLEMENTATION GROUP C; ATAXIA-TELANGIECTASIA, COMPLEMENTATION GROUP A. Identifiers: Orphanet 100, MedGen C0004135, MONDO:0008840, OMIM 208900.

Allele frequency attached by ClinVar (database versions not stated): ExAC 0.00002; gnomAD exomes 0.00002 and 0.00003; TOPMed 0.00004.
gnomAD v4.1: 47 of 1,613,224 alleles (0.0029%); highest among the groups gnomAD compares: Non-Finnish European, 0.0038%; no homozygotes.

Submissions (5):

Labcorp Genetics (formerly Invitae), Labcorp
Classification: Likely benign for Ataxia-telangiectasia syndrome. Last evaluated: 2026-01-20. Review status: criteria provided, single submitter. Criteria: Invitae Variant Classification Sherloc (09022015). Collection method: clinical testing. Allele origin: germline.

Center for Genomic Medicine, Rigshospitalet, Copenhagen University Hospital
Classification: Likely benign. Last evaluated: 2025-03-04. Review status: criteria provided, single submitter. Criteria: ACMG Guidelines, 2015. Collection method: clinical testing. Allele origin: germline.

Blueprint Genetics
Classification: Likely benign. Last evaluated: 2024-10-23. Review status: criteria provided, single submitter. Criteria: ACMG Guidelines, 2015. Collection method: clinical testing. Allele origin: germline.

Color Diagnostics, LLC DBA Color Health
Classification: Likely benign for Hereditary cancer-predisposing syndrome. Last evaluated: 2024-08-26. Review status: criteria provided, single submitter. Criteria: ACMG Guidelines, 2015. Collection method: clinical testing. Allele origin: germline.

GeneDx
Classification: Likely benign. Last evaluated: 2017-08-25. Review status: criteria provided, single submitter. Criteria: GeneDx Variant Classification (06012015). Collection method: clinical testing. Allele origin: germline. Affected: yes.
Comment: This variant is considered likely benign or benign based on one or more of the following criteria: it is a conservative change, it occurs at a poorly conserved position in the protein, it is predicted to be benign by multiple in silico algorithms, and/or has population frequency not consistent with disease.

NM_000051.4(ATM):c.2921+16C>A

Gene: ATM (ATM serine/threonine kinase; plus strand). Cytogenetic location: 11q22.3.
Variant type: single nucleotide variant.
Coding change: c.2921+16C>A on transcript NM_000051.4 (MANE Select); 16 bases into the intron after coding-DNA position 2921, C replaced by A.
Molecular consequence: intron variant.
Genome position (GRCh38, 1-based): chr11:108,271,162, C>A. VCF-style: chr11-108271162-C-A. GRCh37 (hg19) VCF-style: chr11-108141889-C-A.
Other names: c.2921+16C>A (NM_001351834.2).
Identifiers: ClinVar variation 381297 (VCV000381297.13), dbSNP rs558376224, ClinGen allele CA6265138.
Genomic context (GRCh38, chr11:108,271,162, plus strand): 5'-CCCCTTGCCAATGGAAGATGTTCTTGAACTTCTGAAACCACTATCGTAAGAAATTAAAAC[C>A]TTATGTTATGTTCACTTTAAAGTTATAAAATAACTGATGTGTTCTGTTAAGCTTATAAAG-3'